The following is an entry in ClinVar:

ClinVar aggregate classification (germline): Uncertain significance (1 of 4 stars; one submission).

Submission:

Labcorp Genetics (formerly Invitae), Labcorp
Classification: Uncertain significance. Last evaluated: 2024-11-11. Review status: criteria provided, single submitter. Criteria: Invitae Variant Classification Sherloc (09022015). Collection method: clinical testing. Allele origin: germline.
Comment: This sequence change replaces threonine, which is neutral and polar, with serine, which is neutral and polar, at codon 5 of the GALM protein (p.Thr5Ser). This variant is present in population databases (no rsID available, gnomAD 0.003%). This variant has not been reported in the literature in individuals affected with GALM-related conditions. ClinVar contains an entry for this variant (Variation ID: 1955913). An algorithm developed to predict the effect of missense changes on protein structure and function outputs the following: PolyPhen-2: "Benign". The serine amino acid residue is found in multiple mammalian species, which suggests that this missense change does not adversely affect protein function. In summary, the available evidence is currently insufficient to determine the role of this variant in disease. Therefore, it has been classified as a Variant of Uncertain Significance.

NM_138801.3(GALM):c.13A>T (p.Thr5Ser)

Gene: GALM (galactose mutarotase; plus strand). Cytogenetic location: 2p22.1.
Variant type: single nucleotide variant.
Coding change: c.13A>T on transcript NM_138801.3 (MANE Select); coding-DNA position 13, A replaced by T.
Protein change: p.Thr5Ser; replaces threonine 5 with serine.
Molecular consequence: missense variant.
Genome position (GRCh38, 1-based): chr2:38,666,174, A>T. VCF-style: chr2-38666174-A-T. GRCh37 (hg19) VCF-style: chr2-38893316-A-T.
Other names: short protein forms T5S.
Identifiers: ClinVar variation 1955913 (VCV001955913.5), dbSNP rs753623665, ClinGen allele CA346332994.
Genomic context (GRCh38, chr2:38,666,174, plus strand): 5'-GCTGGAGTTTGAAGAGCGGGCAGTGGCTGCACACGCCAAACTTTCCCTATGGCTTCGGTG[A>T]CCAGGGCCGTGTTTGGAGAGCTGCCCTCGGGAGGAGGGACAGTGGAGAAGTTCCAGCTGC-3'
Protein context (NP_620156.1, residues 1-15): MASV[Thr5Ser]RAVFGELPSG